The following is an entry in ClinVar:

NM_001367561.1(DOCK7):c.2503A>C (p.Asn835His)

Gene: DOCK7 (dedicator of cytokinesis 7; minus strand). Cytogenetic location: 1p31.3.
Variant type: single nucleotide variant.
Coding change: c.2503A>C on transcript NM_001367561.1 (MANE Select); coding-DNA position 2503, A replaced by C.
Protein change: p.Asn835His; replaces asparagine 835 with histidine.
Molecular consequence: missense variant.
Genome position (GRCh38, 1-based): chr1:62,555,918, T>G on the plus strand (A>C on the coding strand, the complement: DOCK7 is on the minus strand). VCF-style: chr1-62555918-T-G. GRCh37 (hg19) VCF-style: chr1-63021589-T-G.
Other names: c.2503A>C, p.Asn835His (NM_001271999.2, NM_001272000.2, NM_001272001.2 and 2 more transcripts); short protein forms N835H.
Identifiers: ClinVar variation 1414958 (VCV001414958.9), dbSNP rs747830413, ClinGen allele CA886252.

ClinVar aggregate classification (germline): Uncertain significance. Review status: criteria provided, multiple submitters, no conflicts (2 of 4 stars). 2 submissions from 2 submitters: Uncertain significance (2). Last evaluated 2023-07-22.

Conditions:
Developmental and epileptic encephalopathy, 23 (DEE23). Also called: Epileptic encephalopathy, early infantile, 23. Identifiers: Orphanet 411986, MedGen C4014492, MONDO:0014371, OMIM 615859.

Allele frequency attached by ClinVar (database versions not stated): ExAC 0.00003.
gnomAD v4.1: 17 of 1,613,832 alleles (0.0011%); highest among the groups gnomAD compares: South Asian, 0.018%; no homozygotes.

Submissions (2):

Neuberg Centre For Genomic Medicine, NCGM
Classification: Uncertain significance for Developmental and epileptic encephalopathy, 23. Last evaluated: 2023-07-22. Review status: criteria provided, single submitter. Criteria: ACMG Guidelines, 2015. Collection method: clinical testing. Allele origin: germline. Inheritance: Autosomal recessive inheritance. Affected: yes.
Comment: The observed missense variant c.2503A>Cp.Asn835His in DOCK7 gene has not been reported previously as a pathogenic variant nor as a benign variant, to our knowledge. This variant is reported with 0.002% allele frequency in gnomAD Exomes. It has been submitted to ClinVar as Uncertain Significance. The amino acid Asn at position 835 is changed to a His changing protein sequence and it might alter its composition and physico-chemical properties. Computational evidence Polyphen-Benign, SIFT-Tolerated and Mutation Taster-disease causing predicts conflicting evidence on protein structure and function for this variant. The reference amino acid p.Asn835His in DOCK7 is predicted as conserved by GERP++ and PhyloP across 100 vertebrates. For these reasons, this variant has been classified as Uncertain Significance.

Labcorp Genetics (formerly Invitae), Labcorp
Classification: Uncertain significance for Developmental and epileptic encephalopathy, 23. Last evaluated: 2022-08-09. Review status: criteria provided, single submitter. Criteria: Invitae Variant Classification Sherloc (09022015). Collection method: clinical testing. Allele origin: germline.
Comment: This variant is present in population databases (rs747830413, gnomAD 0.02%). This sequence change replaces asparagine, which is neutral and polar, with histidine, which is basic and polar, at codon 835 of the DOCK7 protein (p.Asn835His). This variant has not been reported in the literature in individuals affected with DOCK7-related conditions. ClinVar contains an entry for this variant (Variation ID: 1414958). Algorithms developed to predict the effect of missense changes on protein structure and function are either unavailable or do not agree on the potential impact of this missense change (SIFT: "Deleterious"; PolyPhen-2: "Benign"; Align-GVGD: "Class C0"). In summary, the available evidence is currently insufficient to determine the role of this variant in disease. Therefore, it has been classified as a Variant of Uncertain Significance.